The following is an entry in ClinVar:

NM_004415.4(DSP):c.6393del (p.Gly2133fs)

Gene: DSP (desmoplakin; plus strand). Cytogenetic location: 6p24.3.
Variant type: Deletion.
Coding change: c.6393del on transcript NM_004415.4 (MANE Select); coding-DNA position 6393, one base deleted (A; older notation c.6393delA).
Protein change: p.Gly2133fs; shifts the reading frame from glycine 2133.
Molecular consequence: frameshift variant.
Genome position (GRCh38, 1-based): chr6:7,583,655, A deleted. VCF-style (leftmost placement, unchanged base first): chr6-7583654-CA-C. GRCh37 (hg19) VCF-style: chr6-7583887-CA-C.
Other names: c.6393del (LRG_423t1, NM_004415.2); c.4596del, p.Gly1534fs (NM_001008844.3); c.5064del, p.Gly1690fs (NM_001319034.2); c.6393delA (NM_004415.2); short protein forms G2133fs, G1690fs, G1534fs.
Identifiers: ClinVar variation 180344 (VCV000180344.14), dbSNP rs730880093, ClinGen allele CA006906.
Genomic context (GRCh38, chr6:7,583,654, plus strand): 5'-TCAAGAAAAATTTGATTGATAGAGAAACCGGAATGCGCCTGCTGGAAGCCCAGATTGCTT[CA>C]GGGGGTGTAGTAGACCCTGTGAACAGTGTCTTTTTGCCAAAAGATGTCGCCTTGGCCCGG-3'

ClinVar aggregate classification (germline): Pathogenic/Likely pathogenic. Review status: criteria provided, multiple submitters, no conflicts (2 of 4 stars). 7 submissions from 7 submitters: Pathogenic (1); Likely pathogenic (4). 2 of the submissions do not count toward it. Last evaluated 2025-11-03.

Conditions:
DSP-related disorder. Also called: DSP-related condition; DSP-related disorders.
Arrhythmogenic right ventricular dysplasia 8 (ARVD8). Also called: ARRHYTHMOGENIC RIGHT VENTRICULAR DYSPLASIA, FAMILIAL, 8; ARRHYTHMOGENIC RIGHT VENTRICULAR CARDIOMYOPATHY 8; Arrhythmogenic Right Ventricular Dysplasia/Cardiomyopathy 8. Identifiers: MedGen C1843896, MONDO:0011831, OMIM 607450.
Arrhythmogenic cardiomyopathy with wooly hair and keratoderma. Also called: PALMOPLANTAR KERATODERMA WITH LEFT VENTRICULAR CARDIOMYOPATHY AND WOOLLY HAIR; Dilated cardiomyopathy with woolly hair and keratoderma; Arrhythmogenic cardiomyopathy with woolly hair and keratoderma; Carvajal syndrome. Identifiers: Orphanet 65282, MedGen C1854063, MONDO:0011581, OMIM 605676.
Cardiomyopathy (CMYO). Also called: Cardiomyopathies. Identifiers: Orphanet 167848, MedGen C0878544, MONDO:0004994, HP:0001638. Inheritance: Various modes of inheritance.

Allele frequency attached by ClinVar (database versions not stated): gnomAD exomes below 0.00001.

Submissions (7):

Labcorp Genetics (formerly Invitae), Labcorp
Classification: Pathogenic for Arrhythmogenic cardiomyopathy with wooly hair and keratoderma; Arrhythmogenic right ventricular dysplasia 8. Last evaluated: 2025-11-03. Review status: criteria provided, single submitter. Criteria: Invitae Variant Classification Sherloc (09022015). Collection method: clinical testing. Allele origin: germline.
Comment: This sequence change creates a premature translational stop signal (p.Gly2133Valfs*2) in the DSP gene. While this is not anticipated to result in nonsense mediated decay, it is expected to disrupt the last 739 amino acid(s) of the DSP protein. This variant is not present in population databases (gnomAD no frequency). This premature translational stop signal has been observed in individual(s) with autosomal dominant DSP-related conditions (PMID: 31514951, 32880476, 34352074). ClinVar contains an entry for this variant (Variation ID: 180344). This variant disrupts a region of the DSP protein in which other variant(s) (p.Glu2728Glyfs*11) have been determined to be pathogenic (internal data). This suggests that this is a clinically significant region of the protein, and that variants that disrupt it are likely to be disease-causing. For these reasons, this variant has been classified as Pathogenic.

All of Us Research Program, National Institutes of Health
Classification: Likely pathogenic for Arrhythmogenic cardiomyopathy with wooly hair and keratoderma. Last evaluated: 2023-12-18. Review status: criteria provided, single submitter. Criteria: ACMG Guidelines, 2015. Collection method: clinical testing. Allele origin: germline. Inheritance: Autosomal dominant inheritance. Observed: 1 variant allele, 1 heterozygote.
Comment: This variant deletes 1 nucleotide in exon 24 of the DSP gene, creating a frameshift and premature translation stop signal in the last exon. Although functional studies have not been reported, this variant is expected to alters the C-terminal plakin repeat domain A (a.a. 1960-2208), plakin repeat domain B (a.a. 2244-2446) and plakin repeat domain C (a.a. 2609-2822), which have been reported to be essential for interaction with intermediate filaments (PMID: 12101406, 12802069, 21756917). In addition, truncating variants occurring downstream of this variant are known to be disease-causing (ClinVar variation ID: 246676, 263803, 518482). This variant has been reported in at least three unrelated individuals affected with dilated cardiomyopathy (PMID: 31514951, 32880476, 34194005; ClinVar: SCV000206941.2). This variant has not been identified in the general population by the Genome Aggregation Database (gnomAD). Loss of DSP function is a known mechanism of disease. Based on the available evidence, this variant is classified as Likely Pathogenic.

This study involves interpretation of variants in research participants for the purpose of population health screening. Participant phenotype was not available at the time of variant classification. Additional details can be found in publication PMID: 35346344, PMCID: PMC8962531

Color Diagnostics, LLC DBA Color Health
Classification: Likely pathogenic for Cardiomyopathy. Last evaluated: 2023-10-06. Review status: criteria provided, single submitter. Criteria: ACMG Guidelines, 2015. Collection method: clinical testing. Allele origin: germline.
Comment: This variant deletes 1 nucleotide in exon 24 of the DSP gene, creating a frameshift and premature translation stop signal in the last exon. Although functional studies have not been reported, this variant is expected to alters the C-terminal plakin repeat domain A (a.a. 1960-2208), plakin repeat domain B (a.a. 2244-2446) and plakin repeat domain C (a.a. 2609-2822), which have been reported to be essential for interaction with intermediate filaments (PMID: 12101406, 12802069, 21756917). In addition, truncating variants occurring downstream of this variant are known to be disease-causing (ClinVar variation ID: 246676, 263803, 518482). This variant has been reported in at least three unrelated individuals affected with dilated cardiomyopathy (PMID: 31514951, 32880476, 34194005; ClinVar: SCV000206941.2). This variant has not been identified in the general population by the Genome Aggregation Database (gnomAD). Loss of DSP function is a known mechanism of disease. Based on the available evidence, this variant is classified as Likely Pathogenic.

GeneDx
Classification: Likely pathogenic. Last evaluated: 2022-08-02. Review status: criteria provided, single submitter. Criteria: GeneDx Variant Classification Process June 2021. Collection method: clinical testing. Allele origin: germline. Affected: yes.
Comment: Reported in individuals with DCM (Gigli et al., 2019; Verdonschot et al., 2020); Frameshift variant predicted to result in protein truncation in a gene for which loss of function is a known mechanism of disease; Not observed at significant frequency in large population cohorts (gnomAD); This variant is associated with the following publications: (PMID: 31514951, 32880476)

Blueprint Genetics
Classification: Likely pathogenic for DSP-related disorders. Last evaluated: 2018-03-15. Review status: criteria provided, single submitter. Criteria: ACMG Guidelines, 2015. Collection method: clinical testing. Allele origin: germline. Affected: yes. Observed: 1 variant allele.

Clinical Genetics, Academic Medical Center
Classification: Likely pathogenic. Review status: no assertion criteria provided. Collection method: clinical testing. Allele origin: germline. Affected: yes. Study: VKGL Data-share Consensus. Not counted in ClinVar's aggregate classification.

Joint Genome Diagnostic Labs from Nijmegen and Maastricht, Radboudumc and MUMC+
Classification: Likely pathogenic. Review status: no assertion criteria provided. Collection method: clinical testing. Allele origin: germline. Affected: yes. Study: VKGL Data-share Consensus. Not counted in ClinVar's aggregate classification.

Literature cited by the submitters: PubMed 31514951 (cited by 3 submitters); PubMed 32880476 (cited by 3 submitters); PubMed 34352074 (cited by Labcorp Genetics (formerly Invitae), Labcorp); PubMed 12101406 (cited by All of Us Research Program, National Institutes of Health and Color Diagnostics, LLC DBA Color Health); PubMed 12802069 (cited by All of Us Research Program, National Institutes of Health and Color Diagnostics, LLC DBA Color Health); PubMed 21756917 (cited by All of Us Research Program, National Institutes of Health and Color Diagnostics, LLC DBA Color Health); PubMed 34194005 (cited by All of Us Research Program, National Institutes of Health and Color Diagnostics, LLC DBA Color Health).